The following is an entry in ClinVar:

NM_000329.3(RPE65):c.1440AGA[1] (p.Glu481del)

Gene: RPE65 (retinoid isomerohydrolase RPE65; minus strand). Cytogenetic location: 1p31.3.
Variant type: Microsatellite.
Coding change: c.1440AGA[1] on transcript NM_000329.3 (MANE Select); one copy of the 3-base unit AGA starting at c.1440; the reference has two copies in a row; one copy, 3 bases deleted.
Protein change: p.Glu481del; deletes glutamic acid 481.
Molecular consequence: inframe deletion.
Genome position (GRCh38, 1-based): chr1:68,431,070-68,431,072, TCT deleted on the plus strand (AGA on the coding strand, the reverse complement: RPE65 is on the minus strand); deleting any 3 consecutive bases within chr1:68,431,070-68,431,077 gives the same sequence; the position shown is the placement nearest the transcript's 3' end. VCF-style (leftmost placement, unchanged base first): chr1-68431069-ATCT-A. GRCh37 (hg19) VCF-style: chr1-68896752-ATCT-A.
Other names: NM_000329.3(RPE65):c.1440AGA[1]; p.Glu481del; c.1443_1445delAGA (NM_000329.2); short protein forms E481del.
Identifiers: ClinVar variation 973961 (VCV000973961.12), dbSNP rs1557595745, ClinGen allele CA523749345.

ClinVar aggregate classification (germline): Likely pathogenic. Review status: reviewed by expert panel (3 of 4 stars). 6 submissions from 6 submitters: Likely pathogenic (1). 5 of the submissions do not count toward it. Last evaluated 2025-06-11.

Conditions:
RPE65-related disorder. Also called: RPE65-related condition; RPE65-related disorders. Identifiers: MedGen CN239301.
Leber congenital amaurosis 2 (LCA2). Also called: Autosomal Recessive RPE65-Related Retinal Degeneration; AMAUROSIS CONGENITA OF LEBER II. Identifiers: Orphanet 65, MedGen C1859844, MONDO:0008765, OMIM 204100. Disease mechanism: loss of function.
RPE65-related recessive retinopathy. Also called: Recessive RPE65 retinopathy. Identifiers: MedGen CN305526, MONDO:0100368.
Retinitis pigmentosa 20 (RP20). Identifiers: Orphanet 791, MedGen C3151086, MONDO:0013425, OMIM 613794.

Submissions (6):

ClinGen Leber Congenital Amaurosis/early Onset Retinal Dystrophy Variant Curation Expert Panel, ClinGen
Classification: Likely pathogenic for RPE65-related recessive retinopathy. Last evaluated: 2025-06-11. Review status: reviewed by expert panel. Criteria: ClinGen LCAeoRD ACMG Specifications RPE65 V1.0.0. Collection method: curation. Allele origin: germline. Inheritance: Autosomal recessive inheritance.
Comment: NM_000329.3(RPE65):c.1443_1445del (p.Glu481del) is an in-frame deletion encoding 1 amino acid in a non-repeat region, predicted to cause a change in the length of the protein, with at least one of the deleted base pairs highly conserved with a PhyloP conservation score of 7.5 (PM4_Supporting). The variant is present in gnomAD v.4.1.0 at a GrpMax allele frequency of 0.00002287, with 35 alleles / 1,179,000 total alleles in the European (non- Finnish) population, which is lower than the ClinGen LCA / eoRD VCEP PM2_Supporting threshold of <0.0002 (PM2_Supporting). This variant has been reported in at least 1 proband with early-onset severe retinal dystrophy who was homozygous for the variant (0.5 points, VCEP member-provided data). This variant has also been reported in at least 2 apparently unrelated probands with early-onset severe retinal dystrophy who were compound heterozygous with either the NM_000329.3(RPE65):c.989G>A (p.Cys330Tyr) variant suspected but not confirmed in trans, which has been previously classified as likely pathogenic by the ClinGen LCA/eoRD VCEP (0.25 points), or the NM_000329.3(RPE65):c.370C>T (p.Arg124Ter) variant suspected but not confirmed in trans, which has been previously classified as pathogenic by the ClinGen LCA/eoRD VCEP (0.5 points). This variant has been reported in at least 1 proband with retinal dystrophy who was compound heterozygous with the NM_000329.3(RPE65):c.11+5G>A variant suspected but not confirmed in trans, which has been previously classified as pathogenic by the ClinGen LCA/eoRD VCEP, however, this final proband did not have available phenotype details to confirm the exact diagnosis and could not be included in PM3 (1.25 total points, PM3). At least one proband harboring this variant exhibits a phenotype including diagnosis of Leber congenital amaurosis (0.5 pts), absent or severely reduced electroretinogram responses (0.5 pts), congenital night blindness (0.5 pts), pigmentary retinopathy with attenuated vessels (0.5 pts), poor pupillary light response (0.5 pts), retinal pigment epithelium mottling (0.5 pts), macular atrophy (0.5 pts), symptomatic onset between birth and age 5 years (1 pt), optical coherence tomography preserved with respect to vision loss (1 pt), decreased peripheral vision (1 pt), abnormal color vision or evidence of cone involvement on electroretinogram (1 pt), decreased central visual acuity (1 pt), nystagmus (1 pt), absence or minimal autofluorescence (2 pts), previous exome / genome / 100+ not providing an alternative explanation for disease (2 pts), and participation in a gene therapy trial with strict inclusion criteria and documented improvement of full-field stimulus threshold response after RPE65 gene therapy, including subjectively improved vision in dim light (2 pts), which together are highly specific for RPE65-related recessive retinopathy (15.5 total points, VCEP member-provided data, PP4_Moderate). In summary, this variant meets the criteria to be classified as likely pathogenic for RPE65-related recessive retinopathy based on the ACMG/AMP criteria applied, as specified by the ClinGen LCA/eoRD VCEP: PM2_Supporting, PM3, PM4_Supporting, and PP4_Moderate. (VCEP specifications version 1.0.0; date of approval 09/21/2023).

Myriad Genetics, Inc.
Classification: Likely pathogenic for RPE65-related recessive retinopathy. Last evaluated: 2026-04-28. Review status: criteria provided, single submitter. Criteria: Myriad Autosomal Dominant, Autosomal Recessive and X-Linked Classification Criteria (2023). Collection method: clinical testing. Allele origin: unknown. Not counted in ClinVar's aggregate classification.
Comment: NM_000329.2(RPE65):c.1443_1445delAGA(E481del) is an in-frame deletion classified as likely pathogenic in the context of inherited retinal dystrophy, RPE65-related. E481del has been observed in a case with relevant disease (PMID: 29332120). Relevant functional assessments of this variant are not available in the literature. E481del has been observed in referenced population frequency databases. In summary, NM_000329.2(RPE65):c.1443_1445delAGA(E481del) is an in-frame deletion that has been observed more frequently in cases with the relevant disease than in healthy populations. Please note: this variant was assessed in the context of healthy population screening.

Labcorp Genetics (formerly Invitae), Labcorp
Classification: Uncertain significance for Leber congenital amaurosis 2; Retinitis pigmentosa 20. Last evaluated: 2025-02-28. Review status: criteria provided, single submitter. Criteria: Invitae Variant Classification Sherloc (09022015). Collection method: clinical testing. Allele origin: germline. Not counted in ClinVar's aggregate classification.
Comment: This variant, c.1443_1445del, results in the deletion of 1 amino acid(s) of the RPE65 protein (p.Glu481del), but otherwise preserves the integrity of the reading frame. This variant is present in population databases (no rsID available, gnomAD 0.0009%). This variant has been observed in individual(s) with inherited retinal dystrophy (PMID: 29332120). ClinVar contains an entry for this variant (Variation ID: 973961). Experimental studies and prediction algorithms are not available or were not evaluated, and the functional significance of this variant is currently unknown. In summary, the available evidence is currently insufficient to determine the role of this variant in disease. Therefore, it has been classified as a Variant of Uncertain Significance.

Blueprint Genetics
Classification: Likely pathogenic for RPE65-related disorders. Last evaluated: 2023-05-31. Review status: criteria provided, single submitter. Criteria: ACMG Guidelines, 2015. Collection method: clinical testing. Allele origin: germline. Affected: yes. Observed: 1 variant allele. Not counted in ClinVar's aggregate classification.

Women's Health and Genetics/Laboratory Corporation of America, LabCorp
Classification: Uncertain significance. Last evaluated: 2022-05-26. Review status: criteria provided, single submitter. Criteria: LabCorp Variant Classification Summary - May 2015. Collection method: clinical testing. Allele origin: germline. Not counted in ClinVar's aggregate classification.
Comment: Variant summary: RPE65 c.1443_1445delAGA (p.Glu481del) results in an in-frame deletion that is predicted to remove one amino acid from the encoded protein. The variant allele was found at a frequency of 4e-06 in 250802 control chromosomes (gnomAD). The available data on variant occurrences in the general population are insufficient to allow any conclusion about variant significance. c.1443_1445delAGA has been reported in the literature in at least one compound heterozygous individual affected with Leber Congenital Amaurosis (Kumaran_2018). These data do not allow any conclusion about variant significance. To our knowledge, no experimental evidence demonstrating an impact on protein function has been reported. One ClinVar submitter has assessed the variant since 2014: the variant was classified as of uncertain significance. Based on the evidence outlined above, the variant was classified as uncertain significance.

Laboratory of Genetics in Ophthalmology, Institut Imagine
Classification: Likely pathogenic for Leber congenital amaurosis 2. Review status: no assertion criteria provided. Collection method: research. Allele origin: inherited. Affected: yes. Observed: 2 variant alleles. Not counted in ClinVar's aggregate classification.

Literature cited by the submitters: PubMed 29332120 (cited by 3 submitters); PubMed 30025081 (cited by Women's Health and Genetics/Laboratory Corporation of America, LabCorp); PubMed 27628848 (cited by Women's Health and Genetics/Laboratory Corporation of America, LabCorp and Laboratory of Genetics in Ophthalmology, Institut Imagine).